The following is an entry in ClinVar:

NM_001378183.1(PIEZO2):c.5719G>A (p.Ala1907Thr)

Gene: PIEZO2 (piezo type mechanosensitive ion channel component 2; minus strand). Cytogenetic location: 18p11.22.
Variant type: single nucleotide variant.
Coding change: c.5719G>A on transcript NM_001378183.1 (MANE Select); coding-DNA position 5719, G replaced by A.
Protein change: p.Ala1907Thr; replaces alanine 1907 with threonine.
Molecular consequence: missense variant.
Genome position (GRCh38, 1-based): chr18:10,705,616, C>T on the plus strand (G>A on the coding strand, the complement: PIEZO2 is on the minus strand). VCF-style: chr18-10705616-C-T. GRCh37 (hg19) VCF-style: chr18-10705614-C-T.
Other names: c.5455G>A, p.Ala1819Thr (NM_001410871.1); c.5380G>A, p.Ala1794Thr (NM_022068.4); short protein forms A1907T, A1794T, A1819T.
Identifiers: ClinVar variation 4697305 (VCV004697305.1).

ClinVar aggregate classification (germline): Uncertain significance (1 of 4 stars; one submission).

gnomAD v4.1: 2 of 1,537,186 alleles (0.00013%); highest among the groups gnomAD compares: Non-Finnish European, 0.000087%; no homozygotes.

Submission:

Labcorp Genetics (formerly Invitae), Labcorp
Classification: Uncertain significance. Last evaluated: 2025-06-29. Review status: criteria provided, single submitter. Criteria: Invitae Variant Classification Sherloc (09022015). Collection method: clinical testing. Allele origin: germline.
Comment: This sequence change replaces alanine, which is neutral and non-polar, with threonine, which is neutral and polar, at codon 1794 of the PIEZO2 protein (p.Ala1794Thr). This variant is not present in population databases (gnomAD no frequency). This variant has not been reported in the literature in individuals affected with PIEZO2-related conditions. Invitae Evidence Modeling of protein sequence and biophysical properties (such as structural, functional, and spatial information, amino acid conservation, physicochemical variation, residue mobility, and thermodynamic stability) indicates that this missense variant is not expected to disrupt PIEZO2 protein function with a negative predictive value of 80%. In summary, the available evidence is currently insufficient to determine the role of this variant in disease. Therefore, it has been classified as a Variant of Uncertain Significance.